The following is an entry in ClinVar:

NM_015629.4(PRPF31):c.973G>T (p.Glu325Ter)

Gene: PRPF31 (pre-mRNA processing factor 31; plus strand). Cytogenetic location: 19q13.42.
Variant type: single nucleotide variant.
Coding change: c.973G>T on transcript NM_015629.4 (MANE Select); coding-DNA position 973, G replaced by T.
Protein change: p.Glu325Ter; replaces glutamic acid 325 with a stop codon.
Molecular consequence: nonsense.
Genome position (GRCh38, 1-based): chr19:54,128,100, G>T. VCF-style: chr19-54128100-G-T. GRCh37 (hg19) VCF-style: chr19-54631475-G-T.
Other names: c.973G>T (NM_015629.3); short protein forms E325*.
Identifiers: ClinVar variation 500129 (VCV000500129.8), dbSNP rs1555794201, ClinGen allele CA407752948.

ClinVar aggregate classification (germline): Pathogenic. Review status: criteria provided, multiple submitters, no conflicts (2 of 4 stars). 3 submissions from 3 submitters: Pathogenic (3). Last evaluated 2025-03-18.

Conditions:
Retinitis pigmentosa 11 (RP11). Identifiers: Orphanet 791, MedGen C1838601, MONDO:0010828, OMIM 600138.

Submissions (3):

3billion
Classification: Pathogenic for Retinitis pigmentosa 11. Last evaluated: 2025-03-18. Review status: criteria provided, single submitter. Criteria: ACMG Guidelines, 2015. Collection method: clinical testing. Allele origin: germline. Affected: yes.

GeneDx
Classification: Pathogenic. Last evaluated: 2023-01-19. Review status: criteria provided, single submitter. Criteria: GeneDx Variant Classification Process June 2021. Collection method: clinical testing. Allele origin: germline. Affected: yes.
Comment: Nonsense variant predicted to result in protein truncation or nonsense mediated decay in a gene for which loss of function is a known mechanism of disease; Not observed at significant frequency in large population cohorts (gnomAD); This variant is associated with the following publications: (PMID: 25525159, 16799052, 35138024)

Eurofins Ntd Llc (ga)
Classification: Pathogenic. Last evaluated: 2017-03-21. Review status: criteria provided, single submitter. Criteria: EGL Classification Definitions 2015. Collection method: clinical testing. Allele origin: germline. Observed: 1 variant allele, 1 heterozygote.

Literature cited by the submitters: PubMed 16799052 (cited by 3billion).